The following is an entry in ClinVar:

ClinVar aggregate classification (germline): Uncertain significance (1 of 4 stars; one submission).

Submission:

GeneDx
Classification: Uncertain significance. Last evaluated: 2023-10-18. Review status: criteria provided, single submitter. Criteria: GeneDx Variant Classification Process June 2021. Collection method: clinical testing. Allele origin: germline. Affected: yes.
Comment: Not observed at significant frequency in large population cohorts (gnomAD); In silico analysis supports that this missense variant has a deleterious effect on protein structure/function; Has not been previously published as pathogenic or benign to our knowledge

NM_002430.3(MN1):c.2338G>T (p.Gly780Cys)

Gene: MN1 (MN1 proto-oncogene, transcriptional regulator; minus strand). Cytogenetic location: 22q12.1.
Variant type: single nucleotide variant.
Coding change: c.2338G>T on transcript NM_002430.3 (MANE Select); coding-DNA position 2338, G replaced by T.
Protein change: p.Gly780Cys; replaces glycine 780 with cysteine.
Molecular consequence: missense variant.
Genome position (GRCh38, 1-based): chr22:27,798,206, C>A on the plus strand (G>T on the coding strand, the complement: MN1 is on the minus strand). VCF-style: chr22-27798206-C-A. GRCh37 (hg19) VCF-style: chr22-28194194-C-A.
Other names: short protein forms G780C.
Identifiers: ClinVar variation 3366261 (VCV003366261.1).